The following is an entry in ClinVar:

NM_005751.5(AKAP9):c.8428A>G (p.Ser2810Gly)

Gene: AKAP9 (A-kinase anchoring protein 9; plus strand). Cytogenetic location: 7q21.2.
Variant type: single nucleotide variant.
Coding change: c.8428A>G on transcript NM_005751.5 (MANE Select); coding-DNA position 8428, A replaced by G.
Protein change: p.Ser2810Gly; replaces serine 2810 with glycine.
Molecular consequence: missense variant.
Genome position (GRCh38, 1-based): chr7:92,083,437, A>G. VCF-style: chr7-92083437-A-G. GRCh37 (hg19) VCF-style: chr7-91712751-A-G.
Other names: c.3073A>G, p.Ser1025Gly (NM_001379277.1); c.8404A>G, p.Ser2802Gly (NM_147185.3); short protein forms S2802G, S1025G, S2810G.
Identifiers: ClinVar variation 3635124 (VCV003635124.2).

ClinVar aggregate classification (germline): Uncertain significance (1 of 4 stars; one submission).

Conditions:
Long QT syndrome (LQTS). Identifiers: MedGen C0023976, MeSH D008133, MONDO:0002442. Disease mechanism: loss of function. Inheritance: Various modes of inheritance.

gnomAD v4.1: 5 of 1,614,064 alleles (0.00031%); highest among the groups gnomAD compares: Non-Finnish European, 0.00042%; no homozygotes.

Submission:

Labcorp Genetics (formerly Invitae), Labcorp
Classification: Uncertain significance for Long QT syndrome. Last evaluated: 2025-01-28. Review status: criteria provided, single submitter. Criteria: Invitae Variant Classification Sherloc (09022015). Collection method: clinical testing. Allele origin: germline.
Comment: This sequence change replaces serine, which is neutral and polar, with glycine, which is neutral and non-polar, at codon 2810 of the AKAP9 protein (p.Ser2810Gly). This variant is present in population databases (no rsID available, gnomAD 0.0009%). This variant has not been reported in the literature in individuals affected with AKAP9-related conditions. An algorithm developed to predict the effect of missense changes on protein structure and function (PolyPhen-2) suggests that this variant is likely to be tolerated. In summary, the available evidence is currently insufficient to determine the role of this variant in disease. Therefore, it has been classified as a Variant of Uncertain Significance.